The following is an entry in ClinVar:

NM_022114.4(PRDM16):c.884+9C>A

Gene: PRDM16 (PR/SET domain 16; plus strand). Cytogenetic location: 1p36.32.
Variant type: single nucleotide variant.
Coding change: c.884+9C>A on transcript NM_022114.4 (MANE Select); 9 bases into the intron after coding-DNA position 884, C replaced by A.
Molecular consequence: intron variant.
Genome position (GRCh38, 1-based): chr1:3,403,007, C>A. VCF-style: chr1-3403007-C-A. GRCh37 (hg19) VCF-style: chr1-3319571-C-A.
Other names: c.884+9C>A (NM_199454.3).
Identifiers: ClinVar variation 510911 (VCV000510911.12), dbSNP rs372395047, ClinGen allele CA543991.

ClinVar aggregate classification (germline): Benign/Likely benign. Review status: criteria provided, multiple submitters, no conflicts (2 of 4 stars). 3 submissions from 3 submitters: Benign (1); Likely benign (2). Last evaluated 2026-01-15.

Conditions:
Left ventricular noncompaction 8 (LVNC8). Identifiers: Orphanet 154, Orphanet 54260, MedGen C3809288, MONDO:0014152, OMIM 615373.

Allele frequency attached by ClinVar (database versions not stated): TOPMed 0.00005; gnomAD 0.00007 and 0.00011; gnomAD exomes 0.00008 and 0.00020; ExAC 0.00018; 1000 Genomes Project 0.00080.
gnomAD v4.1: 131 of 1,587,992 alleles (0.0082%); highest among the groups gnomAD compares: East Asian, 0.24%; no homozygotes.

Submissions (3):

Labcorp Genetics (formerly Invitae), Labcorp
Classification: Benign for Left ventricular noncompaction 8. Last evaluated: 2026-01-15. Review status: criteria provided, single submitter. Criteria: Invitae Variant Classification Sherloc (09022015). Collection method: clinical testing. Allele origin: germline.

Blueprint Genetics
Classification: Likely benign. Last evaluated: 2024-11-08. Review status: criteria provided, single submitter. Criteria: ACMG Guidelines, 2015. Collection method: clinical testing. Allele origin: germline.

GeneDx
Classification: Likely benign. Last evaluated: 2017-07-19. Review status: criteria provided, single submitter. Criteria: GeneDx Variant Classification (06012015). Collection method: clinical testing. Allele origin: germline. Affected: yes.
Comment: This variant is considered likely benign or benign based on one or more of the following criteria: it is a conservative change, it occurs at a poorly conserved position in the protein, it is predicted to be benign by multiple in silico algorithms, and/or has population frequency not consistent with disease.